The following is an entry in ClinVar:

NM_014634.4(PPM1F):c.306AGA[2] (p.Glu107del)

Genes: PPM1F (protein phosphatase, Mg2+/Mn2+ dependent 1F; minus strand), PPM1F-AS1 (PPM1F antisense RNA 1; plus strand). Cytogenetic location: 22q11.22.
Variant type: Microsatellite.
Coding change: c.306AGA[2] on transcript NM_014634.4 (MANE Select); two copies in a row of the 3-base unit AGA starting at c.306; the reference has three copies in a row; one copy, 3 bases deleted.
Protein change: p.Glu107del; deletes glutamic acid 107.
Molecular consequence: inframe deletion. On other transcripts: non-coding transcript variant (1).
Genome position (GRCh38, 1-based): chr22:21,939,573-21,939,575, TCT deleted on the plus strand (AGA on the coding strand, the reverse complement: PPM1F is on the minus strand); deleting any 3 consecutive bases within chr22:21,939,573-21,939,583 gives the same sequence; the position shown is the placement nearest the transcript's 3' end. VCF-style (leftmost placement, unchanged base first): chr22-21939572-CTCT-C. GRCh37 (hg19) VCF-style: chr22-22293944-CTCT-C.
Other names: c.-201_-199GAA[2] (NM_001410836.1); c.312_314delAGA (NM_014634.3); short protein forms E107del.
Identifiers: ClinVar variation 2045396 (VCV002045396.5), dbSNP rs764578206, ClinGen allele CA10125167.

ClinVar aggregate classification (germline): Uncertain significance. Review status: criteria provided, multiple submitters, no conflicts (2 of 4 stars). 2 submissions from 2 submitters: Uncertain significance (2). Last evaluated 2026-06-28.

Conditions:
PPM1F-related condition.

Submissions (2):

PreventionGenetics, part of Exact Sciences
Classification: Uncertain significance for PPM1F-related condition. Last evaluated: 2026-06-28. Review status: criteria provided, single submitter. Criteria: ACMG Guidelines, 2015. Collection method: clinical testing. Allele origin: germline.
Comment: The PPM1F c.312_314delAGA variant is predicted to result in an in-frame deletion (p.Glu107del). To our knowledge, this variant has not been reported in the literature. This variant is reported in 0.10% of alleles in individuals of European (Finnish) descent in gnomAD. At this time, the clinical significance of this variant is uncertain due to the absence of conclusive functional and genetic evidence.

Labcorp Genetics (formerly Invitae), Labcorp
Classification: Uncertain significance. Last evaluated: 2025-09-23. Review status: criteria provided, single submitter. Criteria: Invitae Variant Classification Sherloc (09022015). Collection method: clinical testing. Allele origin: germline.
Comment: This variant, c.312_314del, results in the deletion of 1 amino acid(s) of the PPM1F protein (p.Glu107del), but otherwise preserves the integrity of the reading frame. This variant is present in population databases (rs764578206, gnomAD 0.1%), and has an allele count higher than expected for a pathogenic variant. This variant has not been reported in the literature in individuals affected with PPM1F-related conditions. Experimental studies and prediction algorithms are not available or were not evaluated, and the functional significance of this variant is currently unknown. In summary, the available evidence is currently insufficient to determine the role of this variant in disease. Therefore, it has been classified as a Variant of Uncertain Significance.